The following is an entry in ClinVar:

ClinVar aggregate classification (germline): Likely benign. Review status: criteria provided, multiple submitters, no conflicts (2 of 4 stars). 3 submissions from 3 submitters: Likely benign (3). Last evaluated 2026-01-24.

Conditions:
Mitochondrial complex I deficiency, nuclear type 6. Also called: Mitochondrial complex 1 deficiency, nuclear type 6. Identifiers: MedGen C4748759, MONDO:0032611, OMIM 618228.

Allele frequency attached by ClinVar (database versions not stated): gnomAD exomes 0.00004 and 0.00009; ExAC 0.00010; ESP Exome Variant Server 0.00023; 1000 Genomes Project 30x 0.00031; gnomAD 0.00038 and 0.00044; 1000 Genomes Project 0.00040; TOPMed 0.00043.

Submissions (3):

Labcorp Genetics (formerly Invitae), Labcorp
Classification: Likely benign. Last evaluated: 2026-01-24. Review status: criteria provided, single submitter. Criteria: Invitae Variant Classification Sherloc (09022015). Collection method: clinical testing. Allele origin: germline.

Genome-Nilou Lab
Classification: Likely benign for Mitochondrial complex I deficiency, nuclear type 6. Last evaluated: 2023-04-11. Review status: criteria provided, single submitter. Criteria: ACMG Guidelines, 2015. Collection method: clinical testing. Allele origin: germline. Affected: no.

GeneDx
Classification: Likely benign. Last evaluated: 2016-01-08. Review status: criteria provided, single submitter. Criteria: GeneDx Variant Classification (06012015). Collection method: clinical testing. Allele origin: germline. Affected: yes.
Comment: This variant is considered likely benign or benign based on one or more of the following criteria: it is a conservative change, it occurs at a poorly conserved position in the protein, it is predicted to be benign by multiple in silico algorithms, and/or has population frequency not consistent with disease.

NM_001377299.1(NDUFS2):c.1116+20A>G

Gene: NDUFS2 (NADH:ubiquinone oxidoreductase core subunit S2; plus strand). Cytogenetic location: 1q23.3.
Variant type: single nucleotide variant.
Coding change: c.1116+20A>G on transcript NM_001377299.1 (MANE Select); 20 bases into the intron after coding-DNA position 1116, A replaced by G.
Molecular consequence: intron variant.
Genome position (GRCh38, 1-based): chr1:161,212,500, A>G. VCF-style: chr1-161212500-A-G. GRCh37 (hg19) VCF-style: chr1-161182290-A-G.
Other names: c.1116+20A>G (NM_001377300.1, NM_001377298.1, NM_001377301.1 and 3 more transcripts).
Identifiers: ClinVar variation 382030 (VCV000382030.6), dbSNP rs200063148, ClinGen allele CA1208780.
Genomic context (GRCh38, chr1:161,212,500, plus strand): 5'-ATGATGCCAAAGTGTCTCCACCTAAGCGAGCAGAGATGAAGGTTGGCTGCAGGGAGGGGG[A>G]AAGTGTGGGGTGTTGGAAAGGGGCCAGTGGCTGGGGAGGAGTATCCTTGGATTAAATCCT-3'